The following is an entry in ClinVar:

NM_002691.4(POLD1):c.1379T>G (p.Leu460Arg)

Gene: POLD1 (DNA polymerase delta 1, catalytic subunit; plus strand). Cytogenetic location: 19q13.33.
Variant type: single nucleotide variant.
Coding change: c.1379T>G on transcript NM_002691.4 (MANE Select); coding-DNA position 1379, T replaced by G.
Protein change: p.Leu460Arg; replaces leucine 460 with arginine.
Molecular consequence: missense variant. On other transcripts: non-coding transcript variant (1).
Genome position (GRCh38, 1-based): chr19:50,406,318, T>G. VCF-style: chr19-50406318-T-G. GRCh37 (hg19) VCF-style: chr19-50909575-T-G.
Other names: c.1379T>G, p.Leu460Arg (NM_001256849.1, NM_001308632.1); short protein forms L460R.
Identifiers: ClinVar variation 857308 (VCV000857308.9), dbSNP rs1555791146, ClinGen allele CA406979991.

ClinVar aggregate classification (germline): Uncertain significance (1 of 4 stars; one submission).

Conditions:
POLD1-related polyposis and colorectal cancer syndrome (CRCS10). Also called: Colorectal cancer 10; COLORECTAL CANCER, SUSCEPTIBILITY TO, ON CHROMOSOME 19q; Colorectal cancer, susceptibility to, 10. Identifiers: Orphanet 220460, MedGen C2675481, MONDO:0012953, OMIM 612591.

Submission:

Labcorp Genetics (formerly Invitae), Labcorp
Classification: Uncertain significance for POLD1-related polyposis and colorectal cancer syndrome. Last evaluated: 2025-04-18. Review status: criteria provided, single submitter. Criteria: Invitae Variant Classification Sherloc (09022015). Collection method: clinical testing. Allele origin: germline.
Comment: This sequence change replaces leucine, which is neutral and non-polar, with arginine, which is basic and polar, at codon 460 of the POLD1 protein (p.Leu460Arg). This variant is not present in population databases (gnomAD no frequency). This missense change has been observed in individual(s) with colon polyposis (PMID: 29406563, 30680046). ClinVar contains an entry for this variant (Variation ID: 857308). Invitae Evidence Modeling of protein sequence and biophysical properties (such as structural, functional, and spatial information, amino acid conservation, physicochemical variation, residue mobility, and thermodynamic stability) indicates that this missense variant is expected to disrupt POLD1 protein function with a positive predictive value of 80%. In summary, the available evidence is currently insufficient to determine the role of this variant in disease. Therefore, it has been classified as a Variant of Uncertain Significance.

Literature cited by the submitters: PubMed 29406563; PubMed 30680046.